The following is an entry in ClinVar:

NM_000021.4(PSEN1):c.555G>A (p.Val185=)

Gene: PSEN1 (presenilin 1; plus strand). Cytogenetic location: 14q24.2.
Variant type: single nucleotide variant.
Coding change: c.555G>A on transcript NM_000021.4 (MANE Select); coding-DNA position 555, G replaced by A.
Protein change: p.Val185=; no amino-acid change (valine 185 retained).
Molecular consequence: synonymous variant.
Genome position (GRCh38, 1-based): chr14:73,192,650, G>A. VCF-style: chr14-73192650-G-A. GRCh37 (hg19) VCF-style: chr14-73659358-G-A.
Other names: p.Val185=; c.543G>A, p.Val181= (NM_007318.3).
Identifiers: ClinVar variation 4683897 (VCV004683897.1).

ClinVar aggregate classification (germline): Likely benign (1 of 4 stars; one submission).

gnomAD v4.1: 3 of 1,611,814 alleles (0.00019%); highest among the groups gnomAD compares: Middle Eastern, 0.016%; no homozygotes.

Submission:

Mayo Clinic Laboratories, Mayo Clinic
Classification: Likely benign. Last evaluated: 2025-07-02. Review status: criteria provided, single submitter. Criteria: ACMG Guidelines, 2015. Collection method: clinical testing. Allele origin: germline. Observed: 1 variant allele.
Comment: BP4, BP7